The following is an entry in ClinVar:

NC_000009.12:g.35658022_35658023insTCTCAGCTTCACAGAGTAT

Gene: RMRP (RNA component of mitochondrial RNA processing endoribonuclease; minus strand). Cytogenetic location: 9p13.3.
Variant type: Insertion.
Genome position: GRCh38 VCF-style: chr9-35658021-G-GTTCTCAGCTTCACAGAGTA. GRCh37 (hg19) VCF-style: chr9-35658018-G-GTTCTCAGCTTCACAGAGTA.
Identifiers: ClinVar variation 1457459 (VCV001457459.10), dbSNP rs1408633343, ClinGen allele CA2573144650.
Genomic context (GRCh38, chr9:35,658,021, plus strand): 5'-AAGGGGAGGAACAGAGTCCTCAGTGTGTAGCCTAGGATACAGGCCTTCAGCACGAACCAC[G>GTTCTCAGCTTCACAGAGTA]TCCTCAGCTTCACAGAGTAGTATTTTATAGCCCTAAAGAAATTGTGTTTTATGATTAGGG-3'

ClinVar aggregate classification (germline): Pathogenic (1 of 4 stars; one submission).

Conditions:
Anauxetic dysplasia. Identifiers: Orphanet 93347, MedGen C1846796, MONDO:0011773.

Submission:

Labcorp Genetics (formerly Invitae), Labcorp
Classification: Pathogenic for Anauxetic dysplasia. Last evaluated: 2021-10-16. Review status: criteria provided, single submitter. Criteria: Invitae Variant Classification Sherloc (09022015). Collection method: clinical testing. Allele origin: germline.
Comment: For these reasons, this variant has been classified as Pathogenic. While functional studies for this variant have not been reported, experimental analyses using patient derived cells, as well as in vitro transfection studies, have shown that promoter insertions result in silencing of RMRP transcription and reduced expression of the gene product (PMID: 11207361, 16254002). While this particular variant has not been reported in the literature, it is located in the promoter region between the TATA box and the transcription initiation site, and other insertions and duplications immediately upstream of the coding sequence have been reported in individuals affected with cartilage-hair hypoplasia-anauxetic dysplasia (CHH-AD) spectrum disorders (PMID: 16244706, 11207361, 12107819). The frequency data for this variant in the population databases is considered unreliable, as metrics indicate insufficient coverage at this position in the ExAC database. This variant occurs in the RMRP gene, which encodes an RNA molecule that does not result in a protein product.

Literature cited by the submitters: PubMed 11207361; PubMed 16254002; PubMed 16244706; PubMed 12107819.